The following is an entry in ClinVar:

ClinVar aggregate classification (germline): Pathogenic (1 of 4 stars; one submission).

Conditions:
Hereditary cancer-predisposing syndrome. Also called: Tumor predisposition; Neoplastic Syndromes, Hereditary; Hereditary Cancer Syndrome; Hereditary neoplastic syndrome. Identifiers: Orphanet 140162, MedGen C0027672, MeSH D009386, MONDO:0015356.

Submission:

Ambry Genetics
Classification: Pathogenic for Hereditary cancer-predisposing syndrome. Last evaluated: 2025-02-12. Review status: criteria provided, single submitter. Criteria: Ambry Variant Classification Scheme 2023. Collection method: clinical testing. Allele origin: germline.
Comment: The c.2124delG pathogenic mutation, located in coding exon 15 of the APC gene, results from a deletion of one nucleotide at nucleotide position 2124, causing a translational frameshift with a predicted alternate stop codon (p.N709Tfs*9). This variant is considered to be rare based on population cohorts in the Genome Aggregation Database (gnomAD). This alteration is expected to result in loss of function by premature protein truncation or nonsense-mediated mRNA decay. As such, this alteration is interpreted as a disease-causing mutation.

NM_000038.6(APC):c.2124del (p.Asn709fs)

Gene: APC (APC regulator of Wnt signaling pathway; plus strand). Cytogenetic location: 5q22.2.
Variant type: Deletion.
Coding change: c.2124del on transcript NM_000038.6 (MANE Select); coding-DNA position 2124, one base deleted (G; older notation c.2124delG).
Protein change: p.Asn709fs; shifts the reading frame from asparagine 709.
Molecular consequence: frameshift variant. On other transcripts: non-coding transcript variant (2).
Genome position (GRCh38, 1-based): chr5:112,837,718, G deleted. VCF-style (leftmost placement, unchanged base first): chr5-112837717-AG-A. GRCh37 (hg19) VCF-style: chr5-112173414-AG-A.
Other names: c.2124del, p.Asn709fs (NM_001127510.3, NM_001354895.2, NM_001407450.1); c.2070del, p.Asn691fs (NM_001127511.3); c.2178del, p.Asn727fs (NM_001354896.2, NM_001407447.1, NM_001407448.1 and 1 more transcripts); c.2049del, p.Asn684fs (NM_001354898.2); c.2154del, p.Asn719fs (NM_001354897.2); c.2040del, p.Asn681fs (NM_001354899.2); c.2001del, p.Asn668fs (NM_001354900.2); c.1947del, p.Asn650fs (NM_001354901.2, NM_001407453.1); and 11 more; short protein forms N325fs, N426fs, N583fs, N626fs, N668fs, N681fs, N608fs, N618fs.
Identifiers: ClinVar variation 3881944 (VCV003881944.1).